The following is an entry in ClinVar:

ClinVar aggregate classification (germline): Pathogenic/Likely pathogenic. Review status: criteria provided, multiple submitters, no conflicts (2 of 4 stars). 3 submissions from 3 submitters: Pathogenic (2); Likely pathogenic (1). Last evaluated 2025-07-01.

Conditions:
USH2A-related disorder. Also called: USH2A-related condition; USH2A-related disorders. Identifiers: MedGen CN239332.

Allele frequency attached by ClinVar (database versions not stated): gnomAD exomes below 0.00001.

Submissions (3):

Myriad Genetics, Inc.
Classification: Pathogenic for USH2A-related disorder. Last evaluated: 2025-07-01. Review status: criteria provided, single submitter. Criteria: Myriad Autosomal Dominant, Autosomal Recessive and X-Linked Classification Criteria (2023). Collection method: clinical testing. Allele origin: unknown.
Comment: NM_206933.2(USH2A):c.2303delG(C768Sfs*20) is expected to be pathogenic in the context of USH2A-related disorders. This variant is predicted to lead to an abnormal or absent protein product due to the creation of a premature termination codon in USH2A, a gene where loss-of-function variants are known to be pathogenic. Please note: this variant was assessed in the context of healthy population screening.

Labcorp Genetics (formerly Invitae), Labcorp
Classification: Pathogenic. Last evaluated: 2022-10-05. Review status: criteria provided, single submitter. Criteria: Invitae Variant Classification Sherloc (09022015). Collection method: clinical testing. Allele origin: germline.
Comment: This variant is not present in population databases (gnomAD no frequency). For these reasons, this variant has been classified as Pathogenic. ClinVar contains an entry for this variant (Variation ID: 1072288). This variant has not been reported in the literature in individuals affected with USH2A-related conditions. This sequence change creates a premature translational stop signal (p.Cys768Serfs*20) in the USH2A gene. It is expected to result in an absent or disrupted protein product. Loss-of-function variants in USH2A are known to be pathogenic (PMID: 10729113, 10909849, 20507924, 25649381).

Blueprint Genetics
Classification: Likely pathogenic for USH2A-related disorders. Last evaluated: 2019-11-08. Review status: criteria provided, single submitter. Criteria: ACMG Guidelines, 2015. Collection method: clinical testing. Allele origin: germline. Affected: yes. Observed: 1 variant allele.

Literature cited by the submitters: PubMed 10729113 (cited by Labcorp Genetics (formerly Invitae), Labcorp); PubMed 10909849 (cited by Labcorp Genetics (formerly Invitae), Labcorp); PubMed 20507924 (cited by Labcorp Genetics (formerly Invitae), Labcorp); PubMed 25649381 (cited by Labcorp Genetics (formerly Invitae), Labcorp).

NM_206933.4(USH2A):c.2303del (p.Cys768fs)

Gene: USH2A (usherin; minus strand). Cytogenetic location: 1q41.
Variant type: Deletion.
Coding change: c.2303del on transcript NM_206933.4 (MANE Select); coding-DNA position 2303, one base deleted (G; older notation c.2303delG).
Protein change: p.Cys768fs; shifts the reading frame from cysteine 768.
Molecular consequence: frameshift variant.
Genome position (GRCh38, 1-based): chr1:216,247,091, C deleted on the plus strand (G on the coding strand, the reverse complement: USH2A is on the minus strand). VCF-style (leftmost placement, unchanged base first): chr1-216247090-GC-G. GRCh37 (hg19) VCF-style: chr1-216420432-GC-G.
Other names: c.2303del, p.Cys768fs (NM_007123.6); short protein forms C768fs.
Identifiers: ClinVar variation 1072288 (VCV001072288.10), dbSNP rs2102546166, ClinGen allele CA2499214518.
Genomic context (GRCh38, chr1:216,247,090, plus strand): 5'-ATCTAACCCATAAAAGTTTTCTCTGCAGGTGTCACACTGAAGTCCTTTGGCTTCTTTTTT[GC>G]ACTCACACTGCCCAGAGTGAGGATTGCAGAATTTGTTCACTGAGCCATGGAGGTTACACT-3'